The following is an entry in ClinVar:

ClinVar aggregate classification (germline): Pathogenic. Review status: reviewed by expert panel (3 of 4 stars). 6 submissions from 6 submitters: Pathogenic (1). 5 of the submissions do not count toward it. Last evaluated 2016-09-08.

Conditions:
Gastric cancer. Also called: Malignant tumor of stomach; Stomach cancer. Identifiers: MedGen C0024623, MeSH D013274, MONDO:0001056, OMIM 613659, HP:0012126.
Hereditary breast ovarian cancer syndrome. Also called: Hereditary breast and/or ovarian cancer syndrome; Breast and ovarian cancer; Hereditary breast and ovarian cancer syndrome; Hereditary breast and ovarian cancer; Hereditary breast and ovarian cancer syndrome (HBOC); BRCA1- and BRCA2-Associated Hereditary Breast and Ovarian Cancer. Identifiers: Orphanet 145, MedGen C0677776, MeSH D061325, MONDO:0003582. Disease mechanism: loss of function.
Breast-ovarian cancer, familial, susceptibility to, 1 (BROVCA1). Also called: BRCA1 Hereditary Breast and Ovarian Cancer; OVARIAN CANCER, SUSCEPTIBILITY TO. Identifiers: Orphanet 145, MedGen C2676676, MONDO:0011450, OMIM 604370. Disease mechanism: loss of function.

Submissions (6):

Evidence-based Network for the Interpretation of Germline Mutant Alleles (ENIGMA)
Classification: Pathogenic for Breast-ovarian cancer, familial, susceptibility to, 1. Last evaluated: 2016-09-08. Review status: reviewed by expert panel. Criteria: ENIGMA BRCA1/2 Classification Criteria (2015). Collection method: curation. Allele origin: germline.
Comment: Variant allele predicted to encode a truncated non-functional protein.

Labcorp Genetics (formerly Invitae), Labcorp
Classification: Pathogenic for Hereditary breast ovarian cancer syndrome. Last evaluated: 2023-07-17. Review status: criteria provided, single submitter. Criteria: Invitae Variant Classification Sherloc (09022015). Collection method: clinical testing. Allele origin: germline. Not counted in ClinVar's aggregate classification.
Comment: This variant is not present in population databases (gnomAD no frequency). For these reasons, this variant has been classified as Pathogenic. ClinVar contains an entry for this variant (Variation ID: 125632). This variant has not been reported in the literature in individuals affected with BRCA1-related conditions. This sequence change creates a premature translational stop signal (p.Asp1155Argfs*2) in the BRCA1 gene. It is expected to result in an absent or disrupted protein product. Loss-of-function variants in BRCA1 are known to be pathogenic (PMID: 20104584).

Molecular Genetics Laboratory, University of Michigan
Classification: Pathogenic for Breast-ovarian cancer, familial, susceptibility to, 1. Last evaluated: 2016-04-21. Review status: criteria provided, single submitter. Criteria: ACMG Guidelines, 2015. Collection method: clinical testing. Allele origin: germline. Affected: yes. Not counted in ClinVar's aggregate classification.

Consortium of Investigators of Modifiers of BRCA1/2 (CIMBA), c/o University of Cambridge
Classification: Pathogenic for Breast-ovarian cancer, familial, susceptibility to, 1. Last evaluated: 2015-10-02. Review status: criteria provided, single submitter. Criteria: CIMBA Mutation Classification guidelines May 2016. Collection method: clinical testing. Allele origin: germline. Not counted in ClinVar's aggregate classification.

Laboratory for Genotyping Development, RIKEN
Classification: Pathogenic for Gastric cancer. Last evaluated: 2021-07-01. Review status: no assertion criteria provided. Collection method: research. Allele origin: germline. Not counted in ClinVar's aggregate classification.

Breast Cancer Information Core (BIC) (BRCA1)
Classification: Pathogenic for Breast-ovarian cancer, familial 1. Last evaluated: 2004-11-25. Review status: no assertion criteria provided. Collection method: clinical testing. Allele origin: germline. Affected: yes. Observed: 1 variant allele. Not counted in ClinVar's aggregate classification.

Literature cited by the submitters: PubMed 20104584 (cited by Labcorp Genetics (formerly Invitae), Labcorp); PubMed 36988593 (cited by Laboratory for Genotyping Development, RIKEN).

NM_007294.4(BRCA1):c.3462dup (p.Asp1155fs)

Genes: BRCA1 (BRCA1 DNA repair associated; minus strand), LOC126862571 (BRD4-independent group 4 enhancer GRCh37_chr17:41243136-41244335; plus strand). Cytogenetic location: 17q21.31.
Variant type: Duplication.
Coding change: c.3462dup on transcript NM_007294.4 (MANE Select); coding-DNA position 3462, one base duplicated (A; older notation c.3462dupA).
Protein change: p.Asp1155fs; shifts the reading frame from aspartic acid 1155.
Molecular consequence: frameshift variant. On other transcripts: intron variant (135).
Genome position (GRCh38, 1-based): chr17:43,092,069, T duplicated on the plus strand (A on the coding strand, the reverse complement: BRCA1 is on the minus strand). VCF-style (leftmost placement, unchanged base first): chr17-43092068-C-CT. GRCh37 (hg19) VCF-style: chr17-41244085-C-CT.
Other names: 3581insA; c.3462dupA (NM_007294.3); c.3249dup, p.Asp1084fs (NM_001407571.1, NM_001407853.1, NM_001407894.1 and 9 more transcripts); c.3462dup, p.Asp1155fs (NM_001407581.1, NM_001407582.1, NM_001407583.1 and 30 more transcripts); c.3459dup, p.Asp1154fs (NM_001407587.1, NM_001407590.1, NM_001407591.1 and 22 more transcripts); c.3453dup, p.Asp1152fs (NM_001407646.1, NM_001407647.1); c.3339dup, p.Asp1114fs (NM_001407648.1, NM_001407664.1, NM_001407665.1 and 19 more transcripts); c.3336dup, p.Asp1113fs (NM_001407649.1, NM_001407670.1, NM_001407671.1 and 11 more transcripts); and 43 more; short protein forms D1108fs, D1155fs, D1027fs, D1129fs, D1028fs, D1043fs, D1067fs, D1084fs.
Identifiers: ClinVar variation 125632 (VCV000125632.25), dbSNP rs80357857, ClinGen allele CA002233.
Genomic context (GRCh38, chr17:43,092,068, plus strand): 5'-CAGAACTTTCCTTAATGTCATTTTCAGCAAAACTAGTATCTTCCTTTATTTCACCATCAT[C>CT]TAACAGGTCATCAGGTGTCTCAGAACAAACCTGAGATGCATGACTACTTCCCATAGGCTG-3'